The following is an entry in ClinVar:

NM_001267550.2(TTN):c.50719A>G (p.Ile16907Val)

Genes: TTN (titin; minus strand), TTN-AS1 (TTN antisense RNA 1; plus strand). Cytogenetic location: 2q31.2.
Variant type: single nucleotide variant.
Coding change: c.50719A>G on transcript NM_001267550.2 (MANE Select); coding-DNA position 50719, A replaced by G.
Protein change: p.Ile16907Val; replaces isoleucine 16907 with valine.
Molecular consequence: missense variant.
Genome position (GRCh38, 1-based): chr2:178,611,510, T>C on the plus strand (A>G on the coding strand, the complement: TTN is on the minus strand). VCF-style: chr2-178611510-T-C. GRCh37 (hg19) VCF-style: chr2-179476237-T-C.
Other names: p.I15266V:ATA>GTA; NC_000002.11:g.179476237T>C; c.45796A>G, p.Ile15266Val (NM_001256850.1); c.23524A>G, p.Ile7842Val (NM_003319.4); c.43015A>G, p.Ile14339Val (NM_133378.4); c.23899A>G, p.Ile7967Val (NM_133432.3); c.24100A>G, p.Ile8034Val (NM_133437.4); short protein forms I15266V, I16907V, I14339V, I8034V, I7842V, I7967V.
Identifiers: ClinVar variation 202685 (VCV000202685.56), dbSNP rs750610895, ClinGen allele CA309977.

ClinVar aggregate classification (germline): Conflicting classifications of pathogenicity. Review status: criteria provided, conflicting classifications (1 of 4 stars). 16 submissions from 12 submitters: Uncertain significance (4); Benign (5); Likely benign (4). 3 of the submissions do not count toward it. Last evaluated 2026-03-01.

Conditions:
Cardiovascular phenotype. Identifiers: MedGen CN230736.
Autosomal recessive limb-girdle muscular dystrophy type 2J (LGMDR10). Also called: Limb-girdle muscular dystrophy, type 2J; MUSCULAR DYSTROPHY, LIMB-GIRDLE, AUTOSOMAL RECESSIVE 10. Identifiers: Orphanet 140922, MedGen C1837342, MONDO:0012127, OMIM 608807.
Dilated cardiomyopathy 1G (CMD1G). Identifiers: Orphanet 154, MedGen C1858763, MONDO:0011400, OMIM 604145.
Early-onset myopathy with fatal cardiomyopathy (CMYO5). Also called: Salih Myopathy; CONGENITAL MYOPATHY 5 WITH CARDIOMYOPATHY. Identifiers: Orphanet 289377, MedGen C2673677, MONDO:0012714, OMIM 611705. Disease mechanism: loss of function.
Myopathy, myofibrillar, 9, with early respiratory failure (MFM9). Also called: EDSTROM MYOPATHY; MYOPATHY, PROXIMAL, WITH EARLY RESPIRATORY MUSCLE INVOLVEMENT; Myopathy, distal, with early respiratory failure, autosomal dominant; Hereditary myopathy with early respiratory failure. Identifiers: Orphanet 178464, Orphanet 34521, MedGen C1863599, MONDO:0011362, OMIM 603689.
Tibial muscular dystrophy (TMD). Also called: Tibial muscular dystrophy, tardive; UDD MYOPATHY; Udd Distal Myopathy – Tibial Muscular Dystrophy. Identifiers: Orphanet 609, MedGen C1838244, MONDO:0010870, OMIM 600334.

Allele frequency attached by ClinVar (database versions not stated): gnomAD exomes 0.00016 and 0.00036; ExAC 0.00024; gnomAD 0.00024 and 0.00026; TOPMed 0.00026.
gnomAD v4.1: 294 of 1,612,876 alleles (0.018%); highest among the groups gnomAD compares: Admixed American, 0.015%; 2 homozygotes.

Submissions (17):

CeGaT Center for Human Genetics Tuebingen
Classification: Likely benign. Last evaluated: 2026-03-01. Review status: criteria provided, single submitter. Criteria: CeGaT Center For Human Genetics Tuebingen Variant Classification Criteria Version 2. Collection method: clinical testing. Allele origin: germline. Affected: yes. Observed: 10 variant alleles.
Comment: TTN: BP4

Labcorp Genetics (formerly Invitae), Labcorp
Classification: Benign for Dilated cardiomyopathy 1G; Autosomal recessive limb-girdle muscular dystrophy type 2J. Last evaluated: 2026-01-28. Review status: criteria provided, single submitter. Criteria: Invitae Variant Classification Sherloc (09022015). Collection method: clinical testing. Allele origin: germline.

Mayo Clinic Laboratories, Mayo Clinic
Classification: Likely benign. Last evaluated: 2025-03-14. Review status: criteria provided, single submitter. Criteria: ACMG Guidelines, 2015. Collection method: clinical testing. Allele origin: germline. Observed: 2 variant alleles.
Comment: BS1, BP4_moderate

Women's Health and Genetics/Laboratory Corporation of America, LabCorp
Classification: Uncertain significance. Last evaluated: 2024-09-29. Review status: criteria provided, single submitter. Criteria: LabCorp Variant Classification Summary - May 2015. Collection method: clinical testing. Allele origin: germline.

Athena Diagnostics
Classification: Benign. Last evaluated: 2019-05-07. Review status: criteria provided, single submitter. Criteria: Athena Diagnostics Criteria. Collection method: clinical testing. Allele origin: germline.

Ambry Genetics
Classification: Likely benign for Cardiovascular phenotype. Last evaluated: 2018-07-27. Review status: criteria provided, single submitter. Criteria: Ambry Variant Classification Scheme 2023. Collection method: clinical testing. Allele origin: germline.

Eurofins Ntd Llc (ga)
Classification: Benign. Last evaluated: 2018-07-27. Review status: criteria provided, single submitter. Criteria: EGL ClinVar v180209 classification definitions. Collection method: clinical testing. Allele origin: germline. Observed: 4 variant alleles, 4 heterozygotes.

Illumina Laboratory Services, Illumina
Classification: Benign for Tibial muscular dystrophy. Last evaluated: 2018-01-12. Review status: criteria provided, single submitter. Criteria: ICSL Variant Classification Criteria 13 December 2019. Collection method: clinical testing. Allele origin: germline.
Comment: This variant was observed in the ICSL laboratory as part of a predisposition screen in an ostensibly healthy population. It had not been previously curated by ICSL or reported in the Human Gene Mutation Database (HGMD: prior to June 1st, 2018), and was therefore a candidate for classification through an automated scoring system. Utilizing variant allele frequency, disease prevalence and penetrance estimates, and inheritance mode, an automated score was calculated to assess if this variant is too frequent to cause the disease. Based on the score and internal cut-off values, a variant classified as benign is not then subjected to further curation. The score for this variant resulted in a classification of benign for this disease.

Illumina Laboratory Services, Illumina
Classification: Uncertain significance for Early-onset myopathy with fatal cardiomyopathy. Last evaluated: 2018-01-12. Review status: criteria provided, single submitter. Criteria: ICSL Variant Classification Criteria 13 December 2019. Collection method: clinical testing. Allele origin: germline.

Illumina Laboratory Services, Illumina
Classification: Benign for Myopathy, myofibrillar, 9, with early respiratory failure. Last evaluated: 2018-01-12. Review status: criteria provided, single submitter. Criteria: ICSL Variant Classification Criteria 13 December 2019. Collection method: clinical testing. Allele origin: germline.
Comment: the same text as in the submission from Illumina Laboratory Services, Illumina above.

Illumina Laboratory Services, Illumina
Classification: Uncertain significance for Dilated cardiomyopathy 1G. Last evaluated: 2018-01-12. Review status: criteria provided, single submitter. Criteria: ICSL Variant Classification Criteria 13 December 2019. Collection method: clinical testing. Allele origin: germline.

Illumina Laboratory Services, Illumina
Classification: Uncertain significance for Autosomal recessive limb-girdle muscular dystrophy type 2J. Last evaluated: 2018-01-12. Review status: criteria provided, single submitter. Criteria: ICSL Variant Classification Criteria 13 December 2019. Collection method: clinical testing. Allele origin: germline.

Laboratory for Molecular Medicine, Mass General Brigham Personalized Medicine
Classification: Likely benign. Last evaluated: 2016-11-10. Review status: criteria provided, single submitter. Criteria: LMM Criteria. Collection method: clinical testing. Allele origin: germline. Observed: 1 variant allele.
Comment: p.Ile14339Val in exon 218 of TNN: This variant is not expected to have clinical significance because it is not conserved across mammals or evolutionarily distan t species and >30 species carry a valine (Val), supporting that this change may be tolerated. It has been identified in 29/66540 European chromosomes by the Exo me Aggregation Consortium (ExAC; dbSNP rs7506108 95).

GeneDx
No classification provided. Last evaluated: 2014-04-27. Review status: no classification provided. Criteria: GeneDx Variant Classification (06012015). Collection method: clinical testing. Allele origin: germline. Affected: yes. Not counted in ClinVar's aggregate classification.
Comment: Missense variants in the TTN gene are considered 'unclassified' if they are not previously reported in the literature and do not have >1% frequency in the population to be considered a polymorphism. Research indicates that truncating mutations in the TTN gene are expected to account for approximately 25% of familial and 18% of sporadic idiopathic DCM; however, truncating variants in the TTN gene have been reported in approximately 3% of reported control alleles. There has been little investigation into non-truncating variants. (Herman D et al. Truncations of titin causing dilated cardiomyopathy. N Eng J Med 366:619-628, 2012) The variant is found in CARDIOMYOPATHY panel(s).

Clinical Genetics, Academic Medical Center
Classification: Benign. Review status: no assertion criteria provided. Collection method: clinical testing. Allele origin: germline. Affected: yes. Study: VKGL Data-share Consensus. Not counted in ClinVar's aggregate classification.

Dr. Peter K. Rogan Lab, Western University
No classification provided (evidence only). Condition: Cervical cancer. Review status: no classification provided. Collection method: in vitro. Allele origin: not applicable. Functional consequence: retained intron. Not counted in ClinVar's aggregate classification.

Joint Genome Diagnostic Labs from Nijmegen and Maastricht, Radboudumc and MUMC+
Classification: Likely benign. Review status: no assertion criteria provided. Collection method: clinical testing. Allele origin: germline. Affected: yes. Study: VKGL Data-share Consensus. Not counted in ClinVar's aggregate classification.